The following is an entry in ClinVar:

NC_000015.9:g.(?_67457213)_(67482874_?)del

Gene: SMAD3 (SMAD family member 3; plus strand). Cytogenetic location: 15q22.33.
Variant type: Deletion.
Identifiers: ClinVar variation 3243828 (VCV003243828.1).

ClinVar aggregate classification (germline): Pathogenic (1 of 4 stars; one submission).

Conditions:
Familial thoracic aortic aneurysm and aortic dissection (TAAD). Also called: Thoracic aortic aneurysms and dissections. Identifiers: Orphanet 91387, MedGen C4707243, MONDO:0019625.

Submission:

Labcorp Genetics (formerly Invitae), Labcorp
Classification: Pathogenic for Familial thoracic aortic aneurysm and aortic dissection. Last evaluated: 2024-01-13. Review status: criteria provided, single submitter. Criteria: Invitae Variant Classification Sherloc (09022015). Collection method: clinical testing. Allele origin: unknown.
Comment: This variant is a gross deletion of the genomic region encompassing exon(s) 2-9 of the SMAD3 gene, which includes the termination codon. This deletion extends beyond the assayed region for this gene and therefore may encompass additional genes. While this deletion is not anticipated to lead to nonsense mediated decay, it is expected to alter mRNA translation or result in a truncated protein product. This variant has not been reported in the literature in individuals affected with SMAD3-related conditions. The region of the SMAD3 gene that includes exon(s) 6 has been determined to be clinically significant (PMID: 29907982). Therefore, deletions that encompass that region are likely to be disease-causing. For these reasons, this variant has been classified as Pathogenic.

Literature cited by the submitters: PubMed 29907982.